The following is an entry in ClinVar:

NM_006614.4(CHL1):c.279G>A (p.Arg93=)

Gene: CHL1 (cell adhesion molecule L1 like; plus strand). Cytogenetic location: 3p26.3.
Variant type: single nucleotide variant.
Coding change: c.279G>A on transcript NM_006614.4 (MANE Select); coding-DNA position 279, G replaced by A.
Protein change: p.Arg93=; no amino-acid change (arginine 93 retained).
Molecular consequence: synonymous variant.
Genome position (GRCh38, 1-based): chr3:328,248, G>A. VCF-style: chr3-328248-G-A. GRCh37 (hg19) VCF-style: chr3-369931-G-A.
Other names: c.279G>A, p.Arg93= (NM_001253387.2, NM_001253388.1).
Identifiers: ClinVar variation 724082 (VCV000724082.21), dbSNP rs13318299, ClinGen allele CA2224270.

ClinVar aggregate classification (germline): Benign/Likely benign. Review status: criteria provided, multiple submitters, no conflicts (2 of 4 stars). 2 submissions from 2 submitters: Benign (1); Likely benign (1). Last evaluated 2024-07-01.

Allele frequency attached by ClinVar (database versions not stated): gnomAD exomes 0.00024 and 0.00069; ExAC 0.00088; 1000 Genomes Project 30x 0.00187; 1000 Genomes Project 0.00220; gnomAD 0.00261; ESP Exome Variant Server 0.00308; TOPMed 0.00323.
gnomAD v4.1: 814 of 1,612,890 alleles (0.05%); highest among the groups gnomAD compares: African/African-American, 0.94%; 5 homozygotes.

Submissions (2):

CeGaT Center for Human Genetics Tuebingen
Classification: Likely benign. Last evaluated: 2024-07-01. Review status: criteria provided, single submitter. Criteria: CeGaT Center For Human Genetics Tuebingen Variant Classification Criteria Version 2. Collection method: clinical testing. Allele origin: germline. Affected: yes. Observed: 1 variant allele.
Comment: CHL1: BP4, BS2

Labcorp Genetics (formerly Invitae), Labcorp
Classification: Benign. Last evaluated: 2019-12-31. Review status: criteria provided, single submitter. Criteria: Invitae Variant Classification Sherloc (09022015). Collection method: clinical testing. Allele origin: germline.